The following is an entry in ClinVar:

ClinVar aggregate classification (germline): Pathogenic (1 of 4 stars; one submission).

Submission:

Labcorp Genetics (formerly Invitae), Labcorp
Classification: Pathogenic. Last evaluated: 2023-10-13. Review status: criteria provided, single submitter. Criteria: Invitae Variant Classification Sherloc (09022015). Collection method: clinical testing. Allele origin: germline.
Comment: This sequence change creates a premature translational stop signal (p.Asp500Cysfs*35) in the FKBP10 gene. While this is not anticipated to result in nonsense mediated decay, it is expected to disrupt the last 83 amino acid(s) of the FKBP10 protein. This variant is not present in population databases (gnomAD no frequency). This variant has not been reported in the literature in individuals affected with FKBP10-related conditions. This variant disrupts a region of the FKBP10 protein in which other variant(s) (p.Q558*) have been determined to be pathogenic (PMID: 29499418). This suggests that this is a clinically significant region of the protein, and that variants that disrupt it are likely to be disease-causing. For these reasons, this variant has been classified as Pathogenic.

Literature cited by the submitters: PubMed 29499418.

NM_021939.4(FKBP10):c.1487_1497dup (p.Asp500fs)

Gene: FKBP10 (FKBP prolyl isomerase 10; plus strand). Cytogenetic location: 17q21.2.
Variant type: Duplication.
Coding change: c.1487_1497dup on transcript NM_021939.4 (MANE Select); coding-DNA positions 1487 to 1497, 11 bases duplicated (TGTGGCACAAG).
Protein change: p.Asp500fs; shifts the reading frame from aspartic acid 500.
Molecular consequence: frameshift variant.
Genome position (GRCh38, 1-based): chr17:41,821,741-41,821,751, TGTGGCACAAG duplicated; duplicating any 11 consecutive bases within chr17:41,821,740-41,821,751 gives the same sequence; the c. name uses the placement nearest the transcript's 3' end. VCF-style (leftmost placement, unchanged base first): chr17-41821739-T-TGTGTGGCACAA. GRCh37 (hg19) VCF-style: chr17-39977991-T-TGTGTGGCACAA.
Other names: short protein forms D500fs.
Identifiers: ClinVar variation 2803887 (VCV002803887.3), dbSNP rs2047894013, ClinGen allele CA2260201711.
Genomic context (GRCh38, chr17:41,821,739, plus strand): 5'-GCTGCTGTTTGAGGTGGAGCTGGTGTCCCGGGAGGATGGGCTGCCCACAGGCTACCTGTT[T>TGTGTGGCACAA]GTGTGGCACAAGGACCCTCCTGCCAACCTGTTTGAAGACATGGACCTCAACAAGGATGGC-3'